The following is an entry in ClinVar:

ClinVar aggregate classification (germline): Uncertain significance. Review status: criteria provided, multiple submitters, no conflicts (2 of 4 stars). 2 submissions from 2 submitters: Uncertain significance (2). Last evaluated 2026-03-29.

Conditions:
Hereditary cancer-predisposing syndrome. Also called: Hereditary neoplastic syndrome; Neoplastic Syndromes, Hereditary; Tumor predisposition; Hereditary Cancer Syndrome. Identifiers: Orphanet 140162, MedGen C0027672, MeSH D009386, MONDO:0015356.

Submissions (2):

Ambry Genetics
Classification: Uncertain significance for Hereditary cancer-predisposing syndrome. Last evaluated: 2026-03-29. Review status: criteria provided, single submitter. Criteria: Ambry Variant Classification Scheme 2023. Collection method: clinical testing. Allele origin: germline.
Comment: The p.E725G variant (also known as c.2174A>G), located in coding exon 14 of the CTNNA1 gene, results from an A to G substitution at nucleotide position 2174. The glutamic acid at codon 725 is replaced by glycine, an amino acid with similar properties. This amino acid position is conserved. In addition, the in silico prediction for this alteration is inconclusive. Based on the available evidence, the clinical significance of this variant remains unclear.

Labcorp Genetics (formerly Invitae), Labcorp
Classification: Uncertain significance. Last evaluated: 2023-02-17. Review status: criteria provided, single submitter. Criteria: Invitae Variant Classification Sherloc (09022015). Collection method: clinical testing. Allele origin: germline.
Comment: In summary, the available evidence is currently insufficient to determine the role of this variant in disease. Therefore, it has been classified as a Variant of Uncertain Significance. Advanced modeling of protein sequence and biophysical properties (such as structural, functional, and spatial information, amino acid conservation, physicochemical variation, residue mobility, and thermodynamic stability) has been performed at Invitae for this missense variant, however the output from this modeling did not meet the statistical confidence thresholds required to predict the impact of this variant on CTNNA1 protein function. This variant has not been reported in the literature in individuals affected with CTNNA1-related conditions. This variant is not present in population databases (gnomAD no frequency). This sequence change replaces glutamic acid, which is acidic and polar, with glycine, which is neutral and non-polar, at codon 725 of the CTNNA1 protein (p.Glu725Gly).

NM_001903.5(CTNNA1):c.2174A>G (p.Glu725Gly)

Gene: CTNNA1 (catenin alpha 1; plus strand). Cytogenetic location: 5q31.2.
Variant type: single nucleotide variant.
Coding change: c.2174A>G on transcript NM_001903.5 (MANE Select); coding-DNA position 2174, A replaced by G.
Protein change: p.Glu725Gly; replaces glutamic acid 725 with glycine.
Molecular consequence: missense variant.
Genome position (GRCh38, 1-based): chr5:138,930,636, A>G. VCF-style: chr5-138930636-A-G. GRCh37 (hg19) VCF-style: chr5-138266325-A-G.
Other names: c.2174A>G (NM_001903.2); c.2174A>G, p.Glu725Gly (NM_001290307.3, NM_001323982.2, NM_001323983.1 and 2 more transcripts); c.1865A>G, p.Glu622Gly (NM_001290309.3); c.1805A>G, p.Glu602Gly (NM_001290310.3); c.1064A>G, p.Glu355Gly (NM_001290312.1, NM_001323987.1, NM_001323988.1 and 17 more transcripts); c.2081A>G, p.Glu694Gly (NM_001323986.2); c.725A>G, p.Glu242Gly (NM_001324009.1, NM_001324010.1, NM_001324006.1 and 2 more transcripts); c.971A>G, p.Glu324Gly (NM_001324011.1); and 1 more; short protein forms E274G, E355G, E242G, E602G, E622G, E324G, E725G, E694G.
Identifiers: ClinVar variation 2838423 (VCV002838423.4), dbSNP rs2533851419, ClinGen allele CA361133688.